The following is an entry in ClinVar:

NM_002427.4(MMP13):c.*885A>G

Gene: MMP13 (matrix metallopeptidase 13; minus strand). Cytogenetic location: 11q22.2.
Variant type: single nucleotide variant.
Coding change: c.*885A>G on transcript NM_002427.4 (MANE Select); 885 bases downstream of the stop codon, A replaced by G.
Molecular consequence: 3 prime UTR variant.
Genome position (GRCh38, 1-based): chr11:102,943,381, T>C on the plus strand (A>G on the coding strand, the complement: MMP13 is on the minus strand). VCF-style: chr11-102943381-T-C. GRCh37 (hg19) VCF-style: chr11-102814110-T-C.
Identifiers: ClinVar variation 301962 (VCV000301962.6), dbSNP rs1042840, ClinGen allele CA10629705.

ClinVar aggregate classification (germline): Benign. Review status: criteria provided, multiple submitters, no conflicts (2 of 4 stars). 3 submissions from 2 submitters: Benign (3). Last evaluated 2018-01-12.

Conditions:
Spondyloepimetaphyseal dysplasia, Missouri type. Identifiers: Orphanet 1040, Orphanet 93356, MedGen C1865832, MONDO:0011198, OMIM 602111.
Metaphyseal anadysplasia. Also called: Early-onset regressive form of metaphyseal dysplasia. Identifiers: Orphanet 1040, MedGen C0432226, MONDO:0015177.

Allele frequency attached by ClinVar (database versions not stated): gnomAD 0.25591 and 0.26131; 1000 Genomes Project 0.26757; 1000 Genomes Project 30x 0.25999; TOPMed 0.25420.

Submissions (3):

Illumina Laboratory Services, Illumina
Classification: Benign for Metaphyseal anadysplasia. Last evaluated: 2018-01-12. Review status: criteria provided, single submitter. Criteria: ICSL Variant Classification Criteria 13 December 2019. Collection method: clinical testing. Allele origin: germline.
Comment: This variant was observed in the ICSL laboratory as part of a predisposition screen in an ostensibly healthy population. It had not been previously curated by ICSL or reported in the Human Gene Mutation Database (HGMD: prior to June 1st, 2018), and was therefore a candidate for classification through an automated scoring system. Utilizing variant allele frequency, disease prevalence and penetrance estimates, and inheritance mode, an automated score was calculated to assess if this variant is too frequent to cause the disease. Based on the score and internal cut-off values, a variant classified as benign is not then subjected to further curation. The score for this variant resulted in a classification of benign for this disease.

Illumina Laboratory Services, Illumina
Classification: Benign for Spondyloepimetaphyseal dysplasia, Missouri type. Last evaluated: 2018-01-12. Review status: criteria provided, single submitter. Criteria: ICSL Variant Classification Criteria 13 December 2019. Collection method: clinical testing. Allele origin: germline.
Comment: the same text as in the submission from Illumina Laboratory Services, Illumina above.

Breakthrough Genomics
Classification: Benign. Review status: criteria provided, single submitter. Criteria: ACMG Guidelines, 2015. Collection method: not provided. Allele origin: germline. Inheritance: Autosomal recessive inheritance. Affected: yes.